The following is an entry in ClinVar:

NM_001384140.1(PCDH15):c.3951C>T (p.Thr1317=)

Gene: PCDH15 (protocadherin related 15; minus strand). Cytogenetic location: 10q21.1.
Variant type: single nucleotide variant.
Coding change: c.3951C>T on transcript NM_001384140.1 (MANE Select); coding-DNA position 3951, C replaced by T.
Protein change: p.Thr1317=; no amino-acid change (threonine 1317 retained).
Molecular consequence: synonymous variant.
Genome position (GRCh38, 1-based): chr10:53,840,352, G>A on the plus strand (C>T on the coding strand, the complement: PCDH15 is on the minus strand). VCF-style: chr10-53840352-G-A. GRCh37 (hg19) VCF-style: chr10-55600112-G-A.
Other names: c.3966C>T, p.Thr1322= (NM_001142763.2, NM_001142771.2); c.3951C>T, p.Thr1317= (NM_001142764.2, NM_001142766.2, NM_001142770.3 and 4 more transcripts); c.3738C>T, p.Thr1246= (NM_001142765.2); c.3840C>T, p.Thr1280= (NM_001142767.2); c.3885C>T, p.Thr1295= (NM_001142768.2, NM_001142773.2, NM_001354404.2); c.3987C>T, p.Thr1329= (NM_001142769.4); c.3972C>T, p.Thr1324= (NM_001354411.2).
Identifiers: ClinVar variation 667148 (VCV000667148.17), dbSNP rs144955298, ClinGen allele CA5505507.

ClinVar aggregate classification (germline): Likely benign. Review status: criteria provided, multiple submitters, no conflicts (2 of 4 stars). 4 submissions from 4 submitters: Likely benign (3). 1 of the submissions does not count toward it. Last evaluated 2025-11-25.

Conditions:
Usher syndrome type 1F (USH1F). Also called: USHER SYNDROME, TYPE IF. Identifiers: Orphanet 231169, Orphanet 886, MedGen C1865885, MONDO:0011186, OMIM 602083.

Allele frequency attached by ClinVar (database versions not stated): TOPMed 0.00007; gnomAD 0.00010; 1000 Genomes Project 30x 0.00094; 1000 Genomes Project 0.00100.
gnomAD v4.1: 82 of 1,614,160 alleles (0.0051%); highest among the groups gnomAD compares: East Asian, 0.17%; no homozygotes.

Submissions (4):

Labcorp Genetics (formerly Invitae), Labcorp
Classification: Likely benign. Last evaluated: 2025-11-25. Review status: criteria provided, single submitter. Criteria: Invitae Variant Classification Sherloc (09022015). Collection method: clinical testing. Allele origin: germline.

Blueprint Genetics
Classification: Likely benign. Last evaluated: 2024-06-17. Review status: criteria provided, single submitter. Criteria: ACMG Guidelines, 2015. Collection method: clinical testing. Allele origin: germline.

Laboratory for Molecular Medicine, Mass General Brigham Personalized Medicine
Classification: Likely benign. Last evaluated: 2017-08-23. Review status: criteria provided, single submitter. Criteria: LMM Criteria. Collection method: clinical testing. Allele origin: germline. Observed: 1 variant allele.
Comment: p.Thr1317Thr in exon 29 of PCDH15: This variant is not expected to have clinical significance because it does not alter an amino acid residue and is not located within the splice consensus sequence. It has been identified in 0.21% (18/8654) of East Asian chromosomes by the Exome Aggregation Consortium (ExAC; dbSNP rs144955298).

Natera, Inc.
Classification: Likely benign for Usher syndrome type 1F. Last evaluated: 2020-01-07. Review status: no assertion criteria provided. Collection method: clinical testing. Allele origin: germline. Not counted in ClinVar's aggregate classification.